The following is an entry in ClinVar:

NM_001128840.3(CACNA1D):c.1955C>T (p.Ser652Leu)

Gene: CACNA1D (calcium voltage-gated channel subunit alpha1 D; plus strand). Cytogenetic location: 3p21.1.
Variant type: single nucleotide variant.
Coding change: c.1955C>T on transcript NM_001128840.3 (MANE Select); coding-DNA position 1955, C replaced by T.
Protein change: p.Ser652Leu; replaces serine 652 with leucine.
Molecular consequence: missense variant.
Genome position (GRCh38, 1-based): chr3:53,723,854, C>T. VCF-style: chr3-53723854-C-T. GRCh37 (hg19) VCF-style: chr3-53757881-C-T.
Other names: c.2015C>T, p.Ser672Leu (NM_000720.4); c.1955C>T, p.Ser652Leu (NM_001128839.3); c.2015C>T (NM_000720.2); short protein forms S652L, S672L.
Identifiers: ClinVar variation 1098362 (VCV001098362.3), dbSNP rs777591848, ClinGen allele CA353237990.

ClinVar aggregate classification (germline): Pathogenic/Likely pathogenic. Review status: criteria provided, multiple submitters, no conflicts (2 of 4 stars). 2 submissions from 2 submitters: Pathogenic (1); Likely pathogenic (1). Last evaluated 2024-03-05.

Submissions (2):

GeneDx
Classification: Pathogenic. Last evaluated: 2024-03-05. Review status: criteria provided, single submitter. Criteria: GeneDx Variant Classification Process June 2021. Collection method: clinical testing. Allele origin: germline. Affected: yes.
Comment: Reported in the published literature in patients with clinical features consistent with a CACNA1D-related disorder (PMID: 37122292, 31921405); In silico analysis supports that this missense variant has a deleterious effect on protein structure/function; Not observed at significant frequency in large population cohorts (gnomAD); This variant is associated with the following publications: (PMID: 31921405, 33057194, 37122292, 35982159, 28191890)

Genetics Laboratory, UDIAT-Centre Diagnòstic, Hospital Universitari Parc Tauli
Classification: Likely pathogenic. Last evaluated: 2021-04-26. Review status: criteria provided, single submitter. Criteria: Parc Tauli Hospital Assertion Criteria 2021. Collection method: clinical testing. Allele origin: de novo. Inheritance: Autosomal dominant inheritance. Affected: yes. Observed: 1 heterozygote.
Comment: PM2_supporting;PM6_moderate;PP5_moderate;PP2_supporting;PP3_supporting